The following is an entry in ClinVar:

ClinVar aggregate classification (germline): Likely benign (0 of 4 stars; one submission).

Conditions:
HNF1A-related disorder. Also called: HNF1A-related condition.

gnomAD v4.1: 11 of 1,466,596 alleles (0.00075%); highest among the groups gnomAD compares: Middle Eastern, 0.069%; no homozygotes.

Submission:

PreventionGenetics, part of Exact Sciences
Classification: Likely benign for HNF1A-related condition. Last evaluated: 2024-04-12. Review status: no assertion criteria provided. Collection method: clinical testing. Allele origin: germline.
Comment: This variant is classified as likely benign based on ACMG/AMP sequence variant interpretation guidelines (Richards et al. 2015 PMID: 25741868, with internal and published modifications).

NM_000545.8(HNF1A):c.-71C>T

Gene: HNF1A (HNF1 homeobox A; plus strand). Cytogenetic location: 12q24.31.
Variant type: single nucleotide variant.
Coding change: c.-71C>T on transcript NM_000545.8 (MANE Select); 71 bases upstream of the start codon, C replaced by T.
Molecular consequence: 5 prime UTR variant.
Genome position (GRCh38, 1-based): chr12:120,978,698, C>T. VCF-style: chr12-120978698-C-T. GRCh37 (hg19) VCF-style: chr12-121416501-C-T.
Other names: c.-71C>T (NM_001306179.2, NM_001406915.1).
Identifiers: ClinVar variation 3353060 (VCV003353060.1).